The following is an entry in ClinVar:

NM_001369268.1(ACAN):c.1292A>T (p.Glu431Val)

Gene: ACAN (aggrecan; plus strand). Cytogenetic location: 15q26.1.
Variant type: single nucleotide variant.
Coding change: c.1292A>T on transcript NM_001369268.1 (MANE Select); coding-DNA position 1292, A replaced by T.
Protein change: p.Glu431Val; replaces glutamic acid 431 with valine.
Molecular consequence: missense variant.
Genome position (GRCh38, 1-based): chr15:88,845,745, A>T. VCF-style: chr15-88845745-A-T. GRCh37 (hg19) VCF-style: chr15-89388976-A-T.
Other names: c.1292A>T (NM_013227.3); c.1292A>T, p.Glu431Val (NM_001135.4, NM_001411096.1, NM_001411097.1 and 1 more transcripts); short protein forms E431V.
Identifiers: ClinVar variation 2963400 (VCV002963400.4), dbSNP rs1896778653, ClinGen allele CA393709763.

ClinVar aggregate classification (germline): Uncertain significance. Review status: criteria provided, multiple submitters, no conflicts (2 of 4 stars). 2 submissions from 2 submitters: Uncertain significance (2). Last evaluated 2025-05-26.

Conditions:
Inborn genetic diseases. Identifiers: MedGen C0950123, MeSH D030342.

Allele frequency attached by ClinVar (database versions not stated): TOPMed below 0.00001; gnomAD 0.00001.
gnomAD v4.1: 1 of 1,613,290 alleles (0.000062%); highest among the groups gnomAD compares: Admixed American, 0.0017%; no homozygotes.

Submissions (2):

Ambry Genetics
Classification: Uncertain significance for Inborn genetic diseases. Last evaluated: 2025-05-26. Review status: criteria provided, single submitter. Criteria: Ambry Variant Classification Scheme 2023. Collection method: clinical testing. Allele origin: germline.

Labcorp Genetics (formerly Invitae), Labcorp
Classification: Uncertain significance. Last evaluated: 2024-03-04. Review status: criteria provided, single submitter. Criteria: Invitae Variant Classification Sherloc (09022015). Collection method: clinical testing. Allele origin: germline.
Comment: This sequence change replaces glutamic acid, which is acidic and polar, with valine, which is neutral and non-polar, at codon 431 of the ACAN protein (p.Glu431Val). This variant is not present in population databases (gnomAD no frequency). This variant has not been reported in the literature in individuals affected with ACAN-related conditions. Advanced modeling of protein sequence and biophysical properties (such as structural, functional, and spatial information, amino acid conservation, physicochemical variation, residue mobility, and thermodynamic stability) performed at Invitae indicates that this missense variant is not expected to disrupt ACAN protein function with a negative predictive value of 80%. In summary, the available evidence is currently insufficient to determine the role of this variant in disease. Therefore, it has been classified as a Variant of Uncertain Significance.